The following is an entry in ClinVar:

NM_018344.6(SLC29A3):c.*403C>T

Gene: SLC29A3 (solute carrier family 29 member 3; plus strand). Cytogenetic location: 10q22.1.
Variant type: single nucleotide variant.
Coding change: c.*403C>T on transcript NM_018344.6 (MANE Select); 403 bases downstream of the stop codon, C replaced by T.
Molecular consequence: 3 prime UTR variant. On other transcripts: non-coding transcript variant (2).
Genome position (GRCh38, 1-based): chr10:71,363,011, C>T. VCF-style: chr10-71363011-C-T. GRCh37 (hg19) VCF-style: chr10-73122768-C-T.
Other names: c.*1060C>T (NM_001174098.2); c.*403C>T (NM_001363518.2).
Identifiers: ClinVar variation 300378 (VCV000300378.6), dbSNP rs376297355, ClinGen allele CA10631991.

ClinVar aggregate classification (germline): Conflicting classifications of pathogenicity. Review status: criteria provided, conflicting classifications (1 of 4 stars). 2 submissions from 2 submitters: Uncertain significance (1); Likely benign (1). Last evaluated 2025-03-26.

Conditions:
H syndrome. Also called: Histiocytosis with joint contractures and sensorineural deafness; Hyperpigmentation, Cutaneous, with Hypertrichosis, Hepatosplenomegaly, Heart Anomalies, Hearing Loss, and Hypogonadism; HISTIOCYTOSIS AND LYMPHADENOPATHY WITH OR WITHOUT CUTANEOUS, CARDIAC, AND/OR ENDOCRINE FEATURES, JOINT CONTRACTURES, AND/OR DEAFNESS; HYPERPIGMENTATION, CUTANEOUS, WITH HYPERTRICHOSIS, HEPATOSPLENOMEGALY, HEART ANOMALIES, AND HYPOGONADISM WITH OR WITHOUT HEARING LOSS; PIGMENTED HYPERTRICHOSIS WITH INSULIN-DEPENDENT DIABETES MELLITUS; ROSAI-DORFMAN DISEASE, FAMILIAL. Identifiers: Orphanet 168569, MedGen C1864445, MONDO:0011273, OMIM 602782.
SLC29A3-related disorder. Also called: SLC29A3-related condition.

Allele frequency attached by ClinVar (database versions not stated): gnomAD exomes 0.00001 and 0.00002; gnomAD 0.00002 and 0.00003; TOPMed 0.00004.
gnomAD v4.1: 9 of 462,928 alleles (0.0019%); highest among the groups gnomAD compares: African/African-American, 0.004%; no homozygotes.

Submissions (2):

PreventionGenetics, part of Exact Sciences
Classification: Likely benign for SLC29A3-related condition. Last evaluated: 2025-03-26. Review status: criteria provided, single submitter. Criteria: ACMG Guidelines, 2015. Collection method: clinical testing. Allele origin: germline.
Comment: This variant is classified as likely benign based on ACMG/AMP sequence variant interpretation guidelines (Richards et al. 2015 PMID: 25741868, with internal and published modifications).

Illumina Laboratory Services, Illumina
Classification: Uncertain significance for H syndrome. Last evaluated: 2018-01-13. Review status: criteria provided, single submitter. Criteria: ICSL Variant Classification Criteria 13 December 2019. Collection method: clinical testing. Allele origin: germline.